The following is an entry in ClinVar:

ClinVar aggregate classification (germline): Uncertain significance. Review status: criteria provided, multiple submitters, no conflicts (2 of 4 stars). 2 submissions from 2 submitters: Uncertain significance (2). Last evaluated 2025-11-17.

Conditions:
Hyper-IgM syndrome type 5 (HIGM5). Also called: Hyper-IgM Immunodeficiency Syndrome, Type 5. Identifiers: Orphanet 101092, MedGen C1720958, MONDO:0011971, OMIM 608106.

Allele frequency attached by ClinVar (database versions not stated): gnomAD exomes below 0.00001; gnomAD 0.00001; TOPMed 0.00002.

Submissions (2):

Ambry Genetics
Classification: Uncertain significance. Last evaluated: 2025-11-17. Review status: criteria provided, single submitter. Criteria: Ambry Variant Classification Scheme 2023. Collection method: clinical testing. Allele origin: germline.

Labcorp Genetics (formerly Invitae), Labcorp
Classification: Uncertain significance for Hyper-IgM syndrome type 5. Last evaluated: 2021-07-12. Review status: criteria provided, single submitter. Criteria: Invitae Variant Classification Sherloc (09022015). Collection method: clinical testing. Allele origin: germline.
Comment: This sequence change replaces serine with threonine at codon 12 of the UNG protein (p.Ser12Thr). The serine residue is moderately conserved and there is a small physicochemical difference between serine and threonine. This variant is not present in population databases (ExAC no frequency). This variant has not been reported in the literature in individuals affected with UNG-related conditions. Algorithms developed to predict the effect of missense changes on protein structure and function output the following: SIFT: "Tolerated"; PolyPhen-2: "Benign"; Align-GVGD: "Class C0". The threonine amino acid residue is found in multiple mammalian species, which suggests that this missense change does not adversely affect protein function. In summary, the available evidence is currently insufficient to determine the role of this variant in disease. Therefore, it has been classified as a Variant of Uncertain Significance.

NM_080911.3(UNG):c.34T>A (p.Ser12Thr)

Gene: UNG (uracil DNA glycosylase; plus strand). Cytogenetic location: 12q24.11.
Variant type: single nucleotide variant.
Coding change: c.34T>A on transcript NM_080911.3 (MANE Select); coding-DNA position 34, T replaced by A.
Protein change: p.Ser12Thr; replaces serine 12 with threonine.
Molecular consequence: missense variant.
Genome position (GRCh38, 1-based): chr12:109,097,713, T>A. VCF-style: chr12-109097713-T-A. GRCh37 (hg19) VCF-style: chr12-109535518-T-A.
Other names: c.34T>A (NM_080911.2); short protein forms S12T.
Identifiers: ClinVar variation 1374478 (VCV001374478.9), dbSNP rs769496984, ClinGen allele CA386468587.